The following is an entry in ClinVar:

ClinVar aggregate classification (germline): Pathogenic (1 of 4 stars; one submission).

Conditions:
Juvenile polyposis syndrome (JPS). Identifiers: Orphanet 2929, MedGen C0345893, MONDO:0017380, OMIM 174900.

Submission:

Labcorp Genetics (formerly Invitae), Labcorp
Classification: Pathogenic for Juvenile polyposis syndrome. Last evaluated: 2021-04-04. Review status: criteria provided, single submitter. Criteria: Invitae Variant Classification Sherloc (09022015). Collection method: clinical testing. Allele origin: germline.
Comment: This sequence change creates a premature translational stop signal (p.Gln239Alafs*25) in the SMAD4 gene. It is expected to result in an absent or disrupted protein product. Loss-of-function variants in SMAD4 are known to be pathogenic (PMID: 16152648, 16436638, 22810475). For these reasons, this variant has been classified as Pathogenic. This variant has not been reported in the literature in individuals with SMAD4-related conditions. This variant is not present in population databases (ExAC no frequency).

Literature cited by the submitters: PubMed 16152648; PubMed 16436638; PubMed 22810475.

NM_005359.6(SMAD4):c.714dup (p.Gln239fs)

Gene: SMAD4 (SMAD family member 4; plus strand). Cytogenetic location: 18q21.2.
Variant type: Duplication.
Coding change: c.714dup on transcript NM_005359.6 (MANE Select); coding-DNA position 714, one base duplicated (G; older notation c.714dupG).
Protein change: p.Gln239fs; shifts the reading frame from glutamine 239.
Molecular consequence: frameshift variant.
Genome position (GRCh38, 1-based): chr18:51,058,171, G duplicated. VCF-style (leftmost placement, unchanged base first): chr18-51058170-T-TG. GRCh37 (hg19) VCF-style: chr18-48584540-T-TG.
Other names: short protein forms Q239fs.
Identifiers: ClinVar variation 1402744 (VCV001402744.6), dbSNP rs2144427024, ClinGen allele CA2573155414.
Genomic context (GRCh38, chr18:51,058,170, plus strand): 5'-TTCTTGTTCCTCTAGGTCAGCCTGCCAGTATACTGGGGGGCAGCCATAGTGAAGGACTGT[T>TG]GCAGATAGCATCAGGGCCTCAGCCAGGACAGCAGCAGAATGGATTTACTGGTCAGCCAGC-3'